The following is an entry in ClinVar:

ClinVar aggregate classification (germline): Uncertain significance (1 of 4 stars; one submission).

Conditions:
Familial cancer of breast. Also called: Hereditary breast cancer; hereditary breast carcinoma; BREAST CANCER, FAMILIAL. Identifiers: Orphanet 227535, MedGen C0346153, MONDO:0016419, OMIM 114480. Disease mechanism: loss of function.

Submission:

Labcorp Genetics (formerly Invitae), Labcorp
Classification: Uncertain significance for Familial cancer of breast. Last evaluated: 2021-02-25. Review status: criteria provided, single submitter. Criteria: Invitae Variant Classification Sherloc (09022015). Collection method: clinical testing. Allele origin: germline.
Comment: This sequence change replaces isoleucine with asparagine at codon 276 of the CHEK2 protein (p.Ile276Asn). The isoleucine residue is moderately conserved and there is a large physicochemical difference between isoleucine and asparagine. Algorithms developed to predict the effect of missense changes on protein structure and function are either unavailable or do not agree on the potential impact of this missense change (SIFT: "Tolerated"; PolyPhen-2: "Probably Damaging"; Align-GVGD: "Class C0"). This variant has not been reported in the literature in individuals with CHEK2-related conditions. This variant is not present in population databases (ExAC no frequency). In summary, the available evidence is currently insufficient to determine the role of this variant in disease. Therefore, it has been classified as a Variant of Uncertain Significance.

NM_007194.4(CHEK2):c.827T>A (p.Ile276Asn)

Gene: CHEK2 (checkpoint kinase 2; minus strand). Cytogenetic location: 22q12.1.
Variant type: single nucleotide variant.
Coding change: c.827T>A on transcript NM_007194.4 (MANE Select); coding-DNA position 827, T replaced by A.
Protein change: p.Ile276Asn; replaces isoleucine 276 with asparagine.
Molecular consequence: missense variant.
Genome position (GRCh38, 1-based): chr22:28,710,025, A>T on the plus strand (T>A on the coding strand, the complement: CHEK2 is on the minus strand). VCF-style: chr22-28710025-A-T. GRCh37 (hg19) VCF-style: chr22-29106013-A-T.
Other names: c.956T>A, p.Ile319Asn (NM_001005735.3); c.164T>A, p.Ile55Asn (NM_001257387.3); c.626T>A, p.Ile209Asn (NM_001349956.3); c.827T>A, p.Ile276Asn (NM_145862.3); short protein forms I55N, I319N, I209N, I276N.
Identifiers: ClinVar variation 1513357 (VCV001513357.9), dbSNP rs878854925, ClinGen allele CA411102365.